The following is an entry in ClinVar:

NM_173076.3(ABCA12):c.3949A>G (p.Met1317Val)

Gene: ABCA12 (ATP binding cassette subfamily A member 12; minus strand). Cytogenetic location: 2q35.
Variant type: single nucleotide variant.
Coding change: c.3949A>G on transcript NM_173076.3 (MANE Select); coding-DNA position 3949, A replaced by G.
Protein change: p.Met1317Val; replaces methionine 1317 with valine.
Molecular consequence: missense variant. On other transcripts: non-coding transcript variant (1).
Genome position (GRCh38, 1-based): chr2:214,987,674, T>C on the plus strand (A>G on the coding strand, the complement: ABCA12 is on the minus strand). VCF-style: chr2-214987674-T-C. GRCh37 (hg19) VCF-style: chr2-215852398-T-C.
Other names: c.2995A>G, p.Met999Val (NM_015657.4); short protein forms M1317V, M999V.
Identifiers: ClinVar variation 899306 (VCV000899306.14), dbSNP rs145178648, ClinGen allele CA2091586.

ClinVar aggregate classification (germline): Conflicting classifications of pathogenicity. Review status: criteria provided, conflicting classifications (1 of 4 stars). 3 submissions from 3 submitters: Uncertain significance (2); Likely benign (1). Last evaluated 2026-01-20.

Conditions:
Congenital ichthyosis of skin. Identifiers: MedGen C0020758.

Allele frequency attached by ClinVar (database versions not stated): 1000 Genomes Project 0.00040; ESP Exome Variant Server 0.00046; TOPMed 0.00047; gnomAD exomes 0.00048 and 0.00071; ExAC 0.00054; gnomAD 0.00056 and 0.00057; 1000 Genomes Project 30x 0.00062.

Submissions (3):

Labcorp Genetics (formerly Invitae), Labcorp
Classification: Likely benign. Last evaluated: 2026-01-20. Review status: criteria provided, single submitter. Criteria: Invitae Variant Classification Sherloc (09022015). Collection method: clinical testing. Allele origin: germline.

GeneDx
Classification: Uncertain significance. Last evaluated: 2023-02-03. Review status: criteria provided, single submitter. Criteria: GeneDx Variant Classification Process June 2021. Collection method: clinical testing. Allele origin: germline. Affected: yes.
Comment: Has not been previously published as pathogenic or benign to our knowledge; In silico analysis supports that this missense variant does not alter protein structure/function

Illumina Laboratory Services, Illumina
Classification: Uncertain significance for Congenital ichthyosis of skin. Last evaluated: 2018-01-13. Review status: criteria provided, single submitter. Criteria: ICSL Variant Classification Criteria 13 December 2019. Collection method: clinical testing. Allele origin: germline.